The following is an entry in ClinVar:

NM_001009944.3(PKD1):c.7622C>G (p.Pro2541Arg)

Gene: PKD1 (polycystin 1, transient receptor potential channel interacting; minus strand). Cytogenetic location: 16p13.3.
Variant type: single nucleotide variant.
Coding change: c.7622C>G on transcript NM_001009944.3 (MANE Select); coding-DNA position 7622, C replaced by G.
Protein change: p.Pro2541Arg; replaces proline 2541 with arginine.
Molecular consequence: missense variant.
Genome position (GRCh38, 1-based): chr16:2,106,172, G>C on the plus strand (C>G on the coding strand, the complement: PKD1 is on the minus strand). VCF-style: chr16-2106172-G-C. GRCh37 (hg19) VCF-style: chr16-2156173-G-C.
Other names: c.7622C>G, p.Pro2541Arg (NM_000296.4); short protein forms P2541R.
Identifiers: ClinVar variation 3254606 (VCV003254606.2), dbSNP rs538031465.

ClinVar aggregate classification (germline): Uncertain significance. Review status: criteria provided, multiple submitters, no conflicts (2 of 4 stars). 2 submissions from 2 submitters: Uncertain significance (2). Last evaluated 2023-07-17.

Conditions:
Polycystic kidney disease, adult type (PKD1). Also called: POLYCYSTIC KIDNEY DISEASE, ADULT, TYPE I; Polycystic Kidney Disease 1, Autosomal Dominant; Polycystic kidney disease 1; Polycystic kidney disease 1, severe; POLYCYSTIC KIDNEY DISEASE 1 WITH OR WITHOUT POLYCYSTIC LIVER DISEASE; Polycystic Kidney, Autosomal Dominant. Identifiers: MedGen C3149841, MONDO:0008263, OMIM 173900.

Submissions (2):

Victorian Clinical Genetics Services, Murdoch Childrens Research Institute
Classification: Uncertain significance for Polycystic kidney disease, adult type. Last evaluated: 2023-07-17. Review status: criteria provided, single submitter. Criteria: ACMG Guidelines, 2015. Collection method: clinical testing. Allele origin: germline. Inheritance: Autosomal dominant inheritance. Affected: yes.
Comment: Based on the classification scheme VCGS_Germline_v1.3.4, this variant is classified as VUS-3B. Following criteria are met: 0102 - Loss of function is a known mechanism of disease in this gene and is associated with polycystic kidney disease 1 (MIM#173900). (I) 0107 - This gene is associated with autosomal dominant disease. Polycystic kidney disease 1 (MIM#173900) is predominantly caused by monoallelic variants, with rare reports of biallelic variants causing disease (OMIM). (I) 0200 - Variant is predicted to result in a missense amino acid change from proline to arginine. (I) 0251 - This variant is heterozygous. (I) 0301 - Variant is absent from gnomAD (both v2 and v3). (SP) 0309 - Multiple alternative amino acid changes at the same position have been observed in gnomAD (highest allele count v2: 89 heterozygotes, 0 homozygotes). (I) 0501 - Missense variant consistently predicted to be damaging by multiple in silico tools or highly conserved with a major amino acid change. (SP) 0600 - Variant is located in the annotated REJ domain (DECIPHER). (I) 0710 - Another missense variant comparable to the one identified in this case has inconclusive previous evidence for pathogenicity. An alternative change at the same amino acid position, p.(Pro2541Leu), has been reported as a VUS (PMID: 26150605, PMID: 27499327, ClinVar). (I) 0807 - This variant has no previous evidence of pathogenicity. (I) 0905 - No published segregation evidence has been identified for this variant. (I) 1007 - No published functional evidence has been identified for this variant. (I) 1208 - Inheritance information for this variant is not currently available in this individual. (I) Legend: (SP) - Supporting pathogenic, (I) - Information, (SB) - Supporting benign

Blueprint Genetics
Classification: Uncertain significance. Last evaluated: 2021-09-08. Review status: criteria provided, single submitter. Criteria: ACMG Guidelines, 2015. Collection method: clinical testing. Allele origin: germline.

Literature cited by the submitters: PubMed 26150605 (cited by Victorian Clinical Genetics Services, Murdoch Childrens Research Institute); PubMed 27499327 (cited by Victorian Clinical Genetics Services, Murdoch Childrens Research Institute).